The following is an entry in ClinVar:

ClinVar aggregate classification (germline): Uncertain significance (1 of 4 stars; one submission).

Conditions:
Cardiovascular phenotype. Identifiers: MedGen CN230736.

Allele frequency attached by ClinVar (database versions not stated): gnomAD exomes 0.00002; ExAC 0.00005; gnomAD 0.00007.
gnomAD v4.1: 45 of 1,613,288 alleles (0.0028%); highest among the groups gnomAD compares: Non-Finnish European, 0.0032%; no homozygotes.

Submission:

Ambry Genetics
Classification: Uncertain significance for Cardiovascular phenotype. Last evaluated: 2024-11-17. Review status: criteria provided, single submitter. Criteria: Ambry Variant Classification Scheme 2023. Collection method: clinical testing. Allele origin: germline.
Comment: The p.R2348W variant (also known as c.7042C>T), located in coding exon 19 of the TNXB gene, results from a C to T substitution at nucleotide position 7042. The arginine at codon 2348 is replaced by tryptophan, an amino acid with dissimilar properties. This amino acid position is conserved. In addition, this alteration is predicted to be tolerated by in silico analysis. Since supporting evidence is limited at this time, the clinical significance of this alteration remains unclear.

NM_001365276.2(TNXB):c.7042C>T (p.Arg2348Trp)

Gene: TNXB (tenascin XB; minus strand). Cytogenetic location: 6p21.33.
Variant type: single nucleotide variant.
Coding change: c.7042C>T on transcript NM_001365276.2 (MANE Select); coding-DNA position 7042, C replaced by T.
Protein change: p.Arg2348Trp; replaces arginine 2348 with tryptophan.
Molecular consequence: missense variant.
Genome position (GRCh38, 1-based): chr6:32,062,283, G>A on the plus strand (C>T on the coding strand, the complement: TNXB is on the minus strand). VCF-style: chr6-32062283-G-A. GRCh37 (hg19) VCF-style: chr6-32030060-G-A.
Other names: c.7042C>T, p.Arg2348Trp (NM_019105.8); short protein forms R2348W.
Identifiers: ClinVar variation 1756846 (VCV001756846.3), dbSNP rs747752926, ClinGen allele CA3734271.
Genomic context (GRCh38, chr6:32,062,283, plus strand): 5'-TGTACTTGTTGTCTGGCTCCAGGCCGGAGATGGTGACCCTGTCCTCATGTCCTGGCACCC[G>A]TGTTGCCTTGGGCTGCCCATCCCCATTCTTGTACTGGACCAGGAAGTGGTCAAACTGTCC-3'
Protein context (NP_001352205.1, residues 2338-2358): KNGDGQPKAT[Arg2348Trp]VPGHEDRVTI